The following is an entry in ClinVar:

ClinVar aggregate classification (germline): Pathogenic. Review status: reviewed by expert panel (3 of 4 stars). 7 submissions from 7 submitters: Pathogenic (1). 6 of the submissions do not count toward it. Last evaluated 2021-05-06.

Conditions:
Pyruvate dehydrogenase E1-alpha deficiency (PDHAD). Also called: ATAXIA, INTERMITTENT, WITH PYRUVATE DEHYDROGENASE DEFICIENCY; ATAXIA WITH LACTIC ACIDOSIS I; ATAXIA, INTERMITTENT, WITH ABNORMAL PYRUVATE METABOLISM; Ataxia, intermittent, with pyruvate dehydrogenase, or decarboxylase, deficiency. Identifiers: Orphanet 79243, MedGen C1839413, MONDO:0010717, OMIM 312170.
PDHA1-related disorder. Also called: PDHA1-related condition.
Pyruvate dehydrogenase complex deficiency (PDHC). Also called: Pyruvate dehydrogenase deficiency; Ataxia with lactic acidosis 1; PDH DEFICIENCY; PYRUVATE DECARBOXYLASE DEFICIENCY; Pyruvate Dehydrogenase Complex Deficiency Disease. Identifiers: Orphanet 765, Orphanet 79243, MedGen C0034345, MONDO:0019169.

Submissions (7):

ClinGen Mitochondrial Disease Nuclear and Mitochondrial  Variant Curation Expert Panel, ClinGen
Classification: Pathogenic for Pyruvate dehydrogenase complex deficiency. Last evaluated: 2021-05-06. Review status: reviewed by expert panel. Criteria: ClinGen Mito Disease ACMG Specifications v1. Collection method: curation. Allele origin: germline. Inheritance: X-linked inheritance.
Comment: The c.506C>T variant in the PDHA1 gene is a missense variant occurring in a hotspot domain (aa position A169, located in Î± Î² heterodimer interface (PM1). This variant is absent from population databases (PM2). This variant has been reported in three individuals in the literature with presentations consistent with PDHA1-related disease. These three cases include two assumed de novo cases (PMID: 20002461 and PMID: 21914562), and one maternity confirmed de novo case via exome sequencing in PMID: 31683770 (PS2). PMID: 20002461 Western Blot studies showed reduced E1a, and Imbard et al 2011 PDC studies indicate activity <3rd percentile in fibroblasts (PP4). In silico predictors suggest a deleterious effect (REVEL score â€“ 0.946; PP3). In summary, this variant meets criteria to be classified as a pathogenic of PDHA1- related pyruvate dehydrogenase deficiency in an X-linked manner. PDHA1-specific ACMG/AMP criteria applied: (PM1, PM2, PS2, PP3, PP4). This was reviewed with the PDHA1 expert panel on 4/6/2021 and approved on 4/6/2021.

GeneDx
Classification: Pathogenic. Last evaluated: 2023-12-18. Review status: criteria provided, single submitter. Criteria: GeneDx Variant Classification Process June 2021. Collection method: clinical testing. Allele origin: germline. Affected: yes. Not counted in ClinVar's aggregate classification.
Comment: In silico analysis supports that this variant has a deleterious effect on protein structure/function; Not observed at significant frequency in large population cohorts (gnomAD); This variant is associated with the following publications: (PMID: 25525159, 20002461, 29445841, 21914562, 31683770, 34716721)

Equipe Genetique des Anomalies du Developpement, Université de Bourgogne
Classification: Pathogenic for Pyruvate dehydrogenase E1-alpha deficiency. Last evaluated: 2023-10-09. Review status: criteria provided, single submitter. Criteria: ACMG Guidelines, 2015. Collection method: clinical testing. Allele origin: de novo. Affected: yes. Not counted in ClinVar's aggregate classification.

Blueprint Genetics
Classification: Pathogenic for PDHA1-related disorders. Last evaluated: 2019-10-18. Review status: criteria provided, single submitter. Criteria: ACMG Guidelines, 2015. Collection method: clinical testing. Allele origin: de novo. Affected: yes. Observed: 1 variant allele. Not counted in ClinVar's aggregate classification.

Labcorp Genetics (formerly Invitae), Labcorp
Classification: Pathogenic for Pyruvate dehydrogenase E1-alpha deficiency. Last evaluated: 2018-01-13. Review status: criteria provided, single submitter. Criteria: Invitae Variant Classification Sherloc (09022015). Collection method: clinical testing. Allele origin: germline. Not counted in ClinVar's aggregate classification.
Comment: For these reasons, this variant has been classified as Pathogenic. Algorithms developed to predict the effect of missense changes on protein structure and function do not agree on the potential impact of this missense change (SIFT: "Deleterious"; PolyPhen-2: "Probably Damaging"; Align-GVGD: "Class C0"). This variant has been reported in several individuals affected with PDHA1-related disease, and found to be de novo in one of these cases (PMID: 20002461, 21914562, Invitae). ClinVar contains an entry for this variant (Variation ID: 214941). This variant is not present in population databases (ExAC no frequency). This sequence change replaces alanine with valine at codon 169 of the PDHA1 protein (p.Ala169Val). The alanine residue is highly conserved and there is a small physicochemical difference between alanine and valine.

Clinical Genetics Service, Universitary Hospital 12 de Octubre
Classification: Pathogenic for Pyruvate dehydrogenase E1-alpha deficiency. Review status: criteria provided, single submitter. Criteria: ACMG Guidelines, 2015. Collection method: clinical testing. Allele origin: germline. Affected: yes. Not counted in ClinVar's aggregate classification.

PDHA1 Study Group, University Children’s Hospital, Paracelsus Medical University
Classification: Likely pathogenic for Pyruvate dehydrogenase E1-alpha deficiency. Last evaluated: 2024-10-15. Review status: no assertion criteria provided. Collection method: research. Allele origin: de novo. Affected: yes. Observed: 14 variant alleles. Not counted in ClinVar's aggregate classification.
Comment: The NM_000284.3:c.506C>T (p.Ala169Val) substitution is a missense variant in the PDHA1 gene. This variant is absent or extremely rare in population-based cohorts in the Genome Aggregation Database (gnomAD). In total, 14 individuals diagnosed with PDHA1-related pyruvate dehydrogenase complex (PDHc) deficiency (MIM #312170) harbor this variant, including 4 males and 10 females. Among these, 6 cases have confirmed de novo occurrence, and 1 is confirmed inherited. The variant is reported in 2 published cases (PMIDs: 21914562, 20002461), with an additional 12 unpublished cases from internal data. The last literature search is conducted on July 12, 2024. Individuals present with clinical features consistent with PDHA1-related PDHc deficiency. Based on the ACMG/AMP criteria applied (PM1, PM2, PM7, PP3, PP5), this variant is classified as likely pathogenic (LP) (last assessment October 15, 2024).

Literature cited by the submitters: PubMed 20002461 (cited by Labcorp Genetics (formerly Invitae), Labcorp and PDHA1 Study Group, University Children’s Hospital, Paracelsus Medical University); PubMed 21914562 (cited by Labcorp Genetics (formerly Invitae), Labcorp and PDHA1 Study Group, University Children’s Hospital, Paracelsus Medical University); DOI 10.1093/brain/awaf430 (cited by PDHA1 Study Group, University Children’s Hospital, Paracelsus Medical University).

NM_000284.4(PDHA1):c.506C>T (p.Ala169Val)

Gene: PDHA1 (pyruvate dehydrogenase E1 subunit alpha 1; plus strand). Cytogenetic location: Xp22.12.
Variant type: single nucleotide variant.
Coding change: c.506C>T on transcript NM_000284.4 (MANE Select); coding-DNA position 506, C replaced by T.
Protein change: p.Ala169Val; replaces alanine 169 with valine.
Molecular consequence: missense variant.
Genome position (GRCh38, 1-based): chrX:19,353,169, C>T. VCF-style: chrX-19353169-C-T. GRCh37 (hg19) VCF-style: chrX-19371287-C-T.
Other names: p.A169V:GCG>GTG; c.620C>T, p.Ala207Val (NM_001173454.2); c.527C>T, p.Ala176Val (NM_001173455.2); c.506C>T, p.Ala169Val (NM_001173456.2); c.620C>T (NM_001173454.1); short protein forms A169V, A207V, A176V.
Identifiers: ClinVar variation 214941 (VCV000214941.17), dbSNP rs863224150, ClinGen allele CA323959.